The following is an entry in ClinVar:

ClinVar aggregate classification (germline): Uncertain significance (1 of 4 stars; one submission).

Submission:

Labcorp Genetics (formerly Invitae), Labcorp
Classification: Uncertain significance. Last evaluated: 2024-04-15. Review status: criteria provided, single submitter. Criteria: Invitae Variant Classification Sherloc (09022015). Collection method: clinical testing. Allele origin: germline.
Comment: This sequence change replaces leucine, which is neutral and non-polar, with phenylalanine, which is neutral and non-polar, at codon 2816 of the COL7A1 protein (p.Leu2816Phe). This variant is not present in population databases (gnomAD no frequency). This variant has not been reported in the literature in individuals affected with COL7A1-related conditions. Advanced modeling of protein sequence and biophysical properties (such as structural, functional, and spatial information, amino acid conservation, physicochemical variation, residue mobility, and thermodynamic stability) has been performed at Invitae for this missense variant, however the output from this modeling did not meet the statistical confidence thresholds required to predict the impact of this variant on COL7A1 protein function. In summary, the available evidence is currently insufficient to determine the role of this variant in disease. Therefore, it has been classified as a Variant of Uncertain Significance.

NM_000094.4(COL7A1):c.8446C>T (p.Leu2816Phe)

Gene: COL7A1 (collagen type VII alpha 1 chain; minus strand). Cytogenetic location: 3p21.31.
Variant type: single nucleotide variant.
Coding change: c.8446C>T on transcript NM_000094.4 (MANE Select); coding-DNA position 8446, C replaced by T.
Protein change: p.Leu2816Phe; replaces leucine 2816 with phenylalanine.
Molecular consequence: missense variant.
Genome position (GRCh38, 1-based): chr3:48,565,491, G>A on the plus strand (C>T on the coding strand, the complement: COL7A1 is on the minus strand). VCF-style: chr3-48565491-G-A. GRCh37 (hg19) VCF-style: chr3-48602924-G-A.
Other names: short protein forms L2816F.
Identifiers: ClinVar variation 2995036 (VCV002995036.3), dbSNP rs1191152643, ClinGen allele CA352635293.